The following is an entry in ClinVar:

NM_004444.5(EPHB4):c.2924del (p.Gly975fs)

Gene: EPHB4 (EPH receptor B4; minus strand). Cytogenetic location: 7q22.1.
Variant type: Deletion.
Coding change: c.2924del on transcript NM_004444.5 (MANE Select); coding-DNA position 2924, one base deleted (G; older notation c.2924delG).
Protein change: p.Gly975fs; shifts the reading frame from glycine 975.
Molecular consequence: frameshift variant.
Genome position (GRCh38, 1-based): chr7:100,803,501, C deleted on the plus strand (G on the coding strand, the reverse complement: EPHB4 is on the minus strand); the first of 3 consecutive C bases (chr7:100,803,501-100,803,503); deleting any one gives the same sequence. VCF-style (leftmost placement, unchanged base first): chr7-100803500-TC-T. GRCh37 (hg19) VCF-style: chr7-100401122-TC-T.
Other names: short protein forms G975fs.
Identifiers: ClinVar variation 4018792 (VCV004018792.2).

ClinVar aggregate classification (germline): Uncertain significance. Review status: criteria provided, multiple submitters, no conflicts (2 of 4 stars). 2 submissions from 2 submitters: Uncertain significance (2). Last evaluated 2025-11-10.

Conditions:
EPHB4-related disorder. Also called: EPHB4-related condition; EPHB4-related disorders.
Cardiovascular phenotype. Identifiers: MedGen CN230736.

Submissions (2):

PreventionGenetics, part of Exact Sciences
Classification: Uncertain significance for EPHB4-related condition. Last evaluated: 2025-11-10. Review status: criteria provided, single submitter. Criteria: ACMG Guidelines, 2015. Collection method: clinical testing. Allele origin: germline.
Comment: The EPHB4 c.2924delG variant is predicted to result in a frameshift and premature protein termination (p.Gly975Glufs*53). To our knowledge, this variant has not been reported in the literature or in a large population database (gnomAD), indicating this variant is rare. This variant resides in the final exon of this gene, and it is unclear if the resulting mRNA would undergo nonsense-mediated decay. Although we suspect that this variant may be pathogenic, at this time, the clinical significance of this variant is uncertain due to the absence of conclusive functional and genetic evidence.

Ambry Genetics
Classification: Uncertain significance for Cardiovascular phenotype. Last evaluated: 2025-06-05. Review status: criteria provided, single submitter. Criteria: Ambry Variant Classification Scheme 2023. Collection method: clinical testing. Allele origin: germline.
Comment: The c.2924delG variant, located in coding exon 17 of the EPHB4 gene, results from a deletion of one nucleotide at nucleotide position 2924, causing a translational frameshift with a predicted alternate stop codon (p.G975Efs*53). This alteration occurs at the 3' terminus of theEPHB4 gene, is not expected to trigger nonsense-mediated mRNAdecay, and impacts the last 3.9% of the protein. The exact functional effect of this alteration is unknown. Based on the available evidence, the clinical significance of this variant remains unclear.